The following is an entry in ClinVar:

ClinVar aggregate classification (germline): Uncertain significance (1 of 4 stars; one submission).

Submission:

Labcorp Genetics (formerly Invitae), Labcorp
Classification: Uncertain significance. Last evaluated: 2022-04-08. Review status: criteria provided, single submitter. Criteria: Invitae Variant Classification Sherloc (09022015). Collection method: clinical testing. Allele origin: germline.
Comment: In summary, the available evidence is currently insufficient to determine the role of this variant in disease. Therefore, it has been classified as a Variant of Uncertain Significance. Experimental studies and prediction algorithms are not available or were not evaluated, and the functional significance of this variant is currently unknown. This variant has not been reported in the literature in individuals affected with FLI1-related conditions. This variant results in a copy number gain of the genomic region encompassing exon(s) 1 of the FLI1 gene. This region includes the initiator codon of the gene. This copy number gain extends beyond the assayed region for this gene and therefore may encompass additional genes. As the precise location of this event is unknown, it may be in tandem or it may be located elsewhere in the genome.

NC_000011.9:g.(?_128564154)_(128564191_?)dup

Gene: FLI1 (Fli-1 proto-oncogene, ETS transcription factor; plus strand). Cytogenetic location: 11q24.3.
Variant type: Duplication.
Identifiers: ClinVar variation 2424344 (VCV002424344.4).